The following is an entry in ClinVar:

ClinVar aggregate classification (germline): Pathogenic/Likely pathogenic. Review status: criteria provided, multiple submitters, no conflicts (2 of 4 stars). 2 submissions from 2 submitters: Pathogenic (1); Likely pathogenic (1). Last evaluated 2021-11-14.

Conditions:
ABCA4-related disorder. Also called: ABCA4-related disorders; ABCA4-related condition. Identifiers: MedGen CN239167.

Submissions (2):

Labcorp Genetics (formerly Invitae), Labcorp
Classification: Pathogenic. Last evaluated: 2021-11-14. Review status: criteria provided, single submitter. Criteria: Invitae Variant Classification Sherloc (09022015). Collection method: clinical testing. Allele origin: germline.
Comment: This variant has not been reported in the literature in individuals affected with ABCA4-related conditions. This sequence change creates a premature translational stop signal (p.Gln1312Leufs*79) in the ABCA4 gene. It is expected to result in an absent or disrupted protein product. Loss-of-function variants in ABCA4 are known to be pathogenic (PMID: 10958761, 24938718, 25312043, 26780318). This variant is not present in population databases (gnomAD no frequency). For these reasons, this variant has been classified as Pathogenic.

Blueprint Genetics
Classification: Likely pathogenic for ABCA4-related disorders. Last evaluated: 2021-09-10. Review status: criteria provided, single submitter. Criteria: ACMG Guidelines, 2015. Collection method: clinical testing. Allele origin: germline. Affected: yes. Observed: 1 variant allele.

Literature cited by the submitters: PubMed 10958761 (cited by Labcorp Genetics (formerly Invitae), Labcorp); PubMed 24938718 (cited by Labcorp Genetics (formerly Invitae), Labcorp); PubMed 25312043 (cited by Labcorp Genetics (formerly Invitae), Labcorp); PubMed 26780318 (cited by Labcorp Genetics (formerly Invitae), Labcorp).

NM_000350.3(ABCA4):c.3928_3932dup (p.Gln1312fs)

Gene: ABCA4 (ATP binding cassette subfamily A member 4; minus strand). Cytogenetic location: 1p22.1.
Variant type: Duplication.
Coding change: c.3928_3932dup on transcript NM_000350.3 (MANE Select); coding-DNA positions 3928 to 3932, 5 bases duplicated (GCTGG; older notation c.3928_3932dupGCTGG).
Protein change: p.Gln1312fs; shifts the reading frame from glutamine 1312.
Molecular consequence: frameshift variant.
Genome position (GRCh38, 1-based): chr1:94,031,974-94,031,978, CCAGC duplicated on the plus strand (GCTGG on the coding strand, the reverse complement: ABCA4 is on the minus strand); duplicating any 5 consecutive bases within chr1:94,031,974-94,031,979 gives the same sequence; the c. name uses the placement nearest the transcript's 3' end. VCF-style (leftmost placement, unchanged base first): chr1-94031973-T-TCCAGC. GRCh37 (hg19) VCF-style: chr1-94497529-T-TCCAGC.
Other names: c.3705_3709dup, p.Gln1238Leufs (NM_001425324.1); short protein forms Q1312fs.
Identifiers: ClinVar variation 1451146 (VCV001451146.7), dbSNP rs2101037211, ClinGen allele CA2573131978.
Genomic context (GRCh38, chr1:94,031,973, plus strand): 5'-GCCCTCTGGGTGAGCAGCCGGCGCCCCTGGGGAGCAGACATTGGAGTCCTGGGGTGTCTG[T>TCCAGC]CCAGCCTTCTCTCTGGGACCCAAGCAGGGGTGTCGGGGGTTGACGTTTTCTCTTTTCTGC-3'